The following is an entry in ClinVar:

NM_006514.4(SCN10A):c.3898G>A (p.Val1300Met)

Gene: SCN10A (sodium voltage-gated channel alpha subunit 10; minus strand). Cytogenetic location: 3p22.2.
Variant type: single nucleotide variant.
Coding change: c.3898G>A on transcript NM_006514.4 (MANE Select); coding-DNA position 3898, G replaced by A.
Protein change: p.Val1300Met; replaces valine 1300 with methionine.
Molecular consequence: missense variant.
Genome position (GRCh38, 1-based): chr3:38,712,352, C>T on the plus strand (G>A on the coding strand, the complement: SCN10A is on the minus strand). VCF-style: chr3-38712352-C-T. GRCh37 (hg19) VCF-style: chr3-38753843-C-T.
Other names: c.3895G>A, p.Val1299Met (NM_001293306.2); c.3604G>A, p.Val1202Met (NM_001293307.2); short protein forms V1300M, V1299M, V1202M.
Identifiers: ClinVar variation 4760695 (VCV004760695.1).

ClinVar aggregate classification (germline): Uncertain significance (1 of 4 stars; one submission).

Conditions:
Brugada syndrome. Also called: Sudden unexpected nocturnal death syndrome; Sudden Unexplained Death Syndrome; Sudden Unexplained Nocturnal Death Syndrome (SUNDS); Sudden unexplained nocturnal death syndrome. Identifiers: Orphanet 130, MedGen C1142166, MONDO:0015263.

Submission:

Labcorp Genetics (formerly Invitae), Labcorp
Classification: Uncertain significance for Brugada syndrome. Last evaluated: 2025-11-27. Review status: criteria provided, single submitter. Criteria: Invitae Variant Classification Sherloc (09022015). Collection method: clinical testing. Allele origin: germline.
Comment: This sequence change replaces valine, which is neutral and non-polar, with methionine, which is neutral and non-polar, at codon 1300 of the SCN10A protein (p.Val1300Met). This variant is not present in population databases (gnomAD no frequency). This variant has not been reported in the literature in individuals affected with SCN10A-related conditions. Invitae Evidence Modeling of protein sequence and biophysical properties (such as structural, functional, and spatial information, amino acid conservation, physicochemical variation, residue mobility, and thermodynamic stability) indicates that this missense variant is not expected to disrupt SCN10A protein function with a negative predictive value of 80%. Algorithms developed to predict the effect of sequence changes on RNA splicing suggest that this variant may create or strengthen a splice site. In summary, the available evidence is currently insufficient to determine the role of this variant in disease. Therefore, it has been classified as a Variant of Uncertain Significance.